The following is an entry in ClinVar:

ClinVar aggregate classification (germline): Benign (1 of 4 stars; one submission).

Allele frequency attached by ClinVar (database versions not stated): 1000 Genomes Project 30x 0.18067; 1000 Genomes Project 0.18171; TOPMed 0.22132; gnomAD 0.22201 and 0.22297.
gnomAD v4.1: 33,896 of 151,778 alleles (22%); highest among the groups gnomAD compares: Admixed American, 34%; 4,852 homozygotes.

Submission:

GeneDx
Classification: Benign. Last evaluated: 2018-06-14. Review status: criteria provided, single submitter. Criteria: GeneDx Variant Classification (06012015). Collection method: clinical testing. Allele origin: germline. Affected: yes.
Comment: This variant is considered likely benign or benign based on one or more of the following criteria: it is a conservative change, it occurs at a poorly conserved position in the protein, it is predicted to be benign by multiple in silico algorithms, and/or has population frequency not consistent with disease.

NM_020117.11(LARS1):c.1504-241G>A

Gene: LARS1 (leucyl-tRNA synthetase 1; minus strand). Cytogenetic location: 5q32.
Variant type: single nucleotide variant.
Coding change: c.1504-241G>A on transcript NM_020117.11 (MANE Select); 241 bases into the intron before coding-DNA position 1504, G replaced by A.
Molecular consequence: intron variant.
Genome position (GRCh38, 1-based): chr5:146,144,950, C>T on the plus strand (G>A on the coding strand, the complement: LARS1 is on the minus strand). VCF-style: chr5-146144950-C-T. GRCh37 (hg19) VCF-style: chr5-145524513-C-T.
Other names: c.1342-241G>A (NM_001317965.2); c.1423-241G>A (NM_016460.4); c.1366-241G>A (NM_001317964.2).
Identifiers: ClinVar variation 670014 (VCV000670014.1), dbSNP rs2400211, ClinGen allele CA15380592.
Genomic context (GRCh38, chr5:146,144,950, plus strand): 5'-GCTTTTAAAAAGGCATGAATCTTCATCAAGTGGATCACTTTCTCTAGCTACTGATTATTT[C>T]ATTTCAGTGAAAATTAAAAAGTGAACAAAAAGGAAAAAAAAACACAAAAGATGGTCAGCA-3'